The following is an entry in ClinVar:

NM_000551.4(VHL):c.440T>C (p.Ile147Thr)

Genes: VHL (von Hippel-Lindau tumor suppressor; plus strand), LOC107303340 (3p25 von Hippel-Lindau tumor suppressor, E3 ubiquitin protein ligase Alu-mediated recombination region; plus strand). Cytogenetic location: 3p25.3.
Variant type: single nucleotide variant.
Coding change: c.440T>C on transcript NM_000551.4 (MANE Select); coding-DNA position 440, T replaced by C.
Protein change: p.Ile147Thr; replaces isoleucine 147 with threonine.
Molecular consequence: missense variant. On other transcripts: intron variant (2).
Genome position (GRCh38, 1-based): chr3:10,146,613, T>C. VCF-style: chr3-10146613-T-C. GRCh37 (hg19) VCF-style: chr3-10188297-T-C.
Other names: c.*18-3174T>C (NM_001354723.2); c.341-3174T>C (NM_198156.3); short protein forms I147T.
Identifiers: ClinVar variation 411964 (VCV000411964.19), dbSNP rs1060503555, ClinGen allele CA16611171.

ClinVar aggregate classification (germline): Uncertain significance. Review status: criteria provided, multiple submitters, no conflicts (2 of 4 stars). 5 submissions from 5 submitters: Uncertain significance (5). Last evaluated 2026-03-17.

Conditions:
Chuvash polycythemia. Also called: POLYCYTHEMIA, VHL-DEPENDENT. Identifiers: Orphanet 238557, MedGen C1837915, MONDO:0009892, OMIM 263400.
Von Hippel-Lindau syndrome (VHLS). Also called: von Hippel–Lindau syndrome; VHL syndrome; Von Hippel-Lindau. Identifiers: Orphanet 892, MedGen C0019562, MONDO:0008667, OMIM 193300. Disease mechanism: loss of function.
Hereditary cancer-predisposing syndrome. Also called: Hereditary Cancer Syndrome; Tumor predisposition; Hereditary neoplastic syndrome; Neoplastic Syndromes, Hereditary. Identifiers: Orphanet 140162, MedGen C0027672, MeSH D009386, MONDO:0015356.

Allele frequency attached by ClinVar (database versions not stated): gnomAD exomes below 0.00001 and 0.00001; gnomAD 0.00001; TOPMed 0.00001.
gnomAD v4.1: 11 of 1,613,854 alleles (0.00068%); highest among the groups gnomAD compares: Non-Finnish European, 0.00085%; no homozygotes.

Submissions (5):

Ambry Genetics
Classification: Uncertain significance for Hereditary cancer-predisposing syndrome. Last evaluated: 2026-03-17. Review status: criteria provided, single submitter. Criteria: Ambry Variant Classification Scheme 2023. Collection method: clinical testing. Allele origin: germline.
Comment: The p.I147T variant (also known as c.440T>C), located in coding exon 2 of the VHL gene, results from a T to C substitution at nucleotide position 440. The isoleucine at codon 147 is replaced by threonine, an amino acid with similar properties. This variant has been detected in a patient with apparently sporadic pheochromocytoma (van der Harst E et al. Int J Cancer, 1998 Jul;77:337-40; Korpershoek E et al. Ann N Y Acad Sci, 2006 Aug;1073:138-48). In one functional study, I147T was not shown to impair microtubule stabilization (Hergovich A et al. Nat Cell Biol, 2003 Jan;5:64-70). This variant was determined to be functionally neutral in one saturation genome editing assay (Buckley M et al. Nat Genet, 2024 Jul;56:1446-1455). This amino acid position is well conserved in available vertebrate species. In addition, this alteration is predicted to be deleterious by in silico analysis. Based on the available evidence, the clinical significance of this variant remains unclear.

Color Diagnostics, LLC DBA Color Health
Classification: Uncertain significance for Von Hippel-Lindau syndrome. Last evaluated: 2025-06-23. Review status: criteria provided, single submitter. Criteria: ACMG Guidelines, 2015. Collection method: clinical testing. Allele origin: germline.
Comment: This missense variant replaces isoleucine with threonine at codon 147 of the VHL protein. Computational prediction is inconclusive regarding the impact of this variant on protein structure and function. To our knowledge, functional studies have not been reported for this variant. This variant has been reported in at least one individual affected with pheochromocytoma (PMID: 9663592, 17102080). This variant has been identified in 1/251496 chromosomes in the general population by the Genome Aggregation Database (gnomAD). The available evidence is insufficient to determine the role of this variant in disease conclusively. Therefore, this variant is classified as a Variant of Uncertain Significance.

Labcorp Genetics (formerly Invitae), Labcorp
Classification: Uncertain significance for Von Hippel-Lindau syndrome; Chuvash polycythemia. Last evaluated: 2024-08-07. Review status: criteria provided, single submitter. Criteria: Invitae Variant Classification Sherloc (09022015). Collection method: clinical testing. Allele origin: germline.
Comment: This sequence change replaces isoleucine, which is neutral and non-polar, with threonine, which is neutral and polar, at codon 147 of the VHL protein (p.Ile147Thr). This variant is present in population databases (no rsID available, gnomAD 0.0009%). This missense change has been observed in individual(s) with sporadic pheochromocytoma (PMID: 9663592, 17102080). ClinVar contains an entry for this variant (Variation ID: 411964). Advanced modeling of protein sequence and biophysical properties (such as structural, functional, and spatial information, amino acid conservation, physicochemical variation, residue mobility, and thermodynamic stability) performed at Invitae indicates that this missense variant is expected to disrupt VHL protein function with a positive predictive value of 95%. In summary, the available evidence is currently insufficient to determine the role of this variant in disease. Therefore, it has been classified as a Variant of Uncertain Significance.

All of Us Research Program, National Institutes of Health
Classification: Uncertain significance for Von Hippel-Lindau syndrome. Last evaluated: 2023-06-08. Review status: criteria provided, single submitter. Criteria: ACMG Guidelines, 2015. Collection method: clinical testing. Allele origin: germline. Inheritance: Autosomal dominant inheritance. Observed: 1 variant allele, 1 heterozygote.
Comment: This missense variant replaces isoleucine with threonine at codon 147 of the VHL protein. Computational prediction is inconclusive regarding the impact of this variant on protein structure and function (internally defined REVEL score threshold 0.5 < inconclusive < 0.7, PMID: 27666373). To our knowledge, functional studies have not been reported for this variant. This variant has been reported in at least one individual affected with pheochromocytoma (PMID: 9663592, 17102080). This variant has been identified in 1/251496 chromosomes in the general population by the Genome Aggregation Database (gnomAD). The available evidence is insufficient to determine the role of this variant in disease conclusively. Therefore, this variant is classified as a Variant of Uncertain Significance.

This study involves interpretation of variants in research participants for the purpose of population health screening. Participant phenotype was not available at the time of variant classification. Additional details can be found in publication PMID: 35346344, PMCID: PMC8962531

GeneDx
Classification: Uncertain significance. Last evaluated: 2016-05-06. Review status: criteria provided, single submitter. Criteria: GeneDx Variant Classification (06012015). Collection method: clinical testing. Allele origin: germline. Affected: yes.
Comment: This variant is denoted VHL c.440T>C at the cDNA level, p.Ile147Thr (I147T) at the protein level, and results in the change of an Isoleucine to a Threonine (ATT>ACT). This variant was observed in an individual with a unilateral pheochromocytoma (van der Harst 1998). VHL Ile147Thr was not observed in approximately 6,500 individuals of European and African American ancestry in the NHLBI Exome Sequencing Project, suggesting it is not a common benign variant in these populations. Since Isoleucine and Threonine differ in polarity, charge, size or other properties, this is considered a non-conservative amino acid substitution. VHL Ile147Thr occurs at a position that is not conserved and is located in the nuclear export/beta-domain as well as a region involved in binding to the CCT complex (Yuen 2009, UniProt). In silico analyses are inconsistent regarding the effect this variant may have on protein structure and function. Based on currently available evidence, it is unclear whether VHL Ile147Thr is pathogenic or benign. We consider it to be a variant of uncertain significance.

Literature cited by the submitters: PubMed 12510195 (cited by Ambry Genetics); PubMed 17102080 (cited by 4 submitters); PubMed 38969834 (cited by Ambry Genetics); PubMed 9663592 (cited by 4 submitters).